The following is an entry in ClinVar:

ClinVar aggregate classification (germline): Uncertain significance (1 of 4 stars; one submission).

Conditions:
Hypertrophic cardiomyopathy. Also called: HYPERTROPHIC MYOCARDIOPATHY. Identifiers: Orphanet 217569, MedGen C0007194, MeSH D002312, MONDO:0005045, HP:0001639.

Submission:

Labcorp Genetics (formerly Invitae), Labcorp
Classification: Uncertain significance for Hypertrophic cardiomyopathy. Last evaluated: 2023-02-20. Review status: criteria provided, single submitter. Criteria: Invitae Variant Classification Sherloc (09022015). Collection method: clinical testing. Allele origin: germline.
Comment: In summary, the available evidence is currently insufficient to determine the role of this variant in disease. Therefore, it has been classified as a Variant of Uncertain Significance. Advanced modeling of protein sequence and biophysical properties (such as structural, functional, and spatial information, amino acid conservation, physicochemical variation, residue mobility, and thermodynamic stability) performed at Invitae indicates that this missense variant is expected to disrupt MYH7 protein function. This variant has not been reported in the literature in individuals affected with MYH7-related conditions. This variant is not present in population databases (gnomAD no frequency). This sequence change replaces alanine, which is neutral and non-polar, with proline, which is neutral and non-polar, at codon 61 of the MYH7 protein (p.Ala61Pro).

NM_000257.4(MYH7):c.181G>C (p.Ala61Pro)

Gene: MYH7 (myosin heavy chain 7; minus strand). Cytogenetic location: 14q11.2.
Variant type: single nucleotide variant.
Coding change: c.181G>C on transcript NM_000257.4 (MANE Select); coding-DNA position 181, G replaced by C.
Protein change: p.Ala61Pro; replaces alanine 61 with proline.
Molecular consequence: missense variant.
Genome position (GRCh38, 1-based): chr14:23,433,552, C>G on the plus strand (G>C on the coding strand, the complement: MYH7 is on the minus strand). VCF-style: chr14-23433552-C-G. GRCh37 (hg19) VCF-style: chr14-23902761-C-G.
Other names: c.181G>C, p.Ala61Pro (NM_001407004.1); short protein forms A61P.
Identifiers: ClinVar variation 2839136 (VCV002839136.3), dbSNP rs2502322145, ClinGen allele CA389053651.